The following is an entry in ClinVar:

ClinVar aggregate classification (germline): Pathogenic (1 of 4 stars; one submission).

Submission:

Labcorp Genetics (formerly Invitae), Labcorp
Classification: Pathogenic. Last evaluated: 2026-01-20. Review status: criteria provided, single submitter. Criteria: Invitae Variant Classification Sherloc (09022015). Collection method: clinical testing. Allele origin: germline.
Comment: This sequence change creates a premature translational stop signal (p.Met413Asnfs*24) in the FMO3 gene. While this is not anticipated to result in nonsense mediated decay, it is expected to disrupt the last 120 amino acid(s) of the FMO3 protein. This variant is present in population databases (rs763690279, gnomAD 0.003%). This variant has not been reported in the literature in individuals affected with FMO3-related conditions. ClinVar contains an entry for this variant (Variation ID: 2829029). This variant disrupts a region of the FMO3 protein in which other variant(s) (p.Arg500*) have been determined to be pathogenic (PMID: 16858129, 16996766). This suggests that this is a clinically significant region of the protein, and that variants that disrupt it are likely to be disease-causing. For these reasons, this variant has been classified as Pathogenic.

Literature cited by the submitters: PubMed 16858129; PubMed 16996766.

NM_001002294.3(FMO3):c.1237dup (p.Met413fs)

Gene: FMO3 (flavin containing dimethylaniline monoxygenase 3; plus strand). Cytogenetic location: 1q24.3.
Variant type: Duplication.
Coding change: c.1237dup on transcript NM_001002294.3 (MANE Select); coding-DNA position 1237, one base duplicated (A; older notation c.1237dupA).
Protein change: p.Met413fs; shifts the reading frame from methionine 413.
Molecular consequence: frameshift variant.
Genome position (GRCh38, 1-based): chr1:171,116,261, A duplicated; the last of 4 consecutive A bases (chr1:171,116,258-171,116,261); duplicating any one gives the same sequence. VCF-style (leftmost placement, unchanged base first): chr1-171116257-G-GA. GRCh37 (hg19) VCF-style: chr1-171085397-G-GA.
Other names: c.1177dup, p.Met393fs (NM_001319173.2); c.1048dup, p.Met350fs (NM_001319174.2); c.1237dup, p.Met413fs (NM_006894.6); short protein forms M350fs, M393fs, M413fs.
Identifiers: ClinVar variation 2829029 (VCV002829029.3), dbSNP rs763690279, ClinGen allele CA1240775.